The following is an entry in ClinVar:

ClinVar aggregate classification (germline): Conflicting classifications of pathogenicity. Review status: criteria provided, conflicting classifications (1 of 4 stars). 2 submissions from 2 submitters: Uncertain significance (1); Likely benign (1). Last evaluated 2025-01-13.

Conditions:
Neuropathy, hereditary sensory, type 2C. Also called: KIF1A-Related HSAN2 (HSAN2C); Hereditary sensory and autonomic neuropathy type IIC. Identifiers: Orphanet 970, MedGen C3280168, MONDO:0013634, OMIM 614213.
Intellectual disability, autosomal dominant 9 (NESCAVS). Also called: KIF1A-Related Neurodevelopmental Disorder; NESCAV SYNDROME. Identifiers: Orphanet 662367, MedGen C5393830, MONDO:0013656, OMIM 614255.
Hereditary spastic paraplegia 30. Identifiers: Orphanet 101010, MedGen C5235139, MONDO:0012476.

gnomAD v4.1: 22 of 1,610,850 alleles (0.0014%); highest among the groups gnomAD compares: Admixed American, 0.0084%; no homozygotes.

Submissions (2):

Labcorp Genetics (formerly Invitae), Labcorp
Classification: Likely benign for Hereditary spastic paraplegia 30; Neuropathy, hereditary sensory, type 2C; Intellectual disability, autosomal dominant 9. Last evaluated: 2025-01-13. Review status: criteria provided, single submitter. Criteria: Invitae Variant Classification Sherloc (09022015). Collection method: clinical testing. Allele origin: germline.

GeneDx
Classification: Uncertain significance. Last evaluated: 2021-11-03. Review status: criteria provided, single submitter. Criteria: GeneDx Variant Classification Process June 2021. Collection method: clinical testing. Allele origin: germline. Affected: yes.
Comment: In silico analysis supports that this missense variant has a deleterious effect on protein structure/function; Has not been previously published as pathogenic or benign to our knowledge

NM_001244008.2(KIF1A):c.3605G>A (p.Arg1202His)

Gene: KIF1A (kinesin family member 1A; minus strand). Cytogenetic location: 2q37.3.
Variant type: single nucleotide variant.
Coding change: c.3605G>A on transcript NM_001244008.2 (MANE Select); coding-DNA position 3605, G replaced by A.
Protein change: p.Arg1202His; replaces arginine 1202 with histidine.
Molecular consequence: missense variant.
Genome position (GRCh38, 1-based): chr2:240,742,964, C>T on the plus strand (G>A on the coding strand, the complement: KIF1A is on the minus strand). VCF-style: chr2-240742964-C-T. GRCh37 (hg19) VCF-style: chr2-241682381-C-T.
Other names: c.3329G>A, p.Arg1110His (NM_001320705.2, NM_001330289.2, NM_001379638.1); c.3404G>A, p.Arg1135His (NM_001330290.2, NM_001379634.1, NM_001379635.1 and 1 more transcripts); c.3680G>A, p.Arg1227His (NM_001379631.1); c.3554G>A, p.Arg1185His (NM_001379632.1); c.3578G>A, p.Arg1193His (NM_001379633.1, NM_001379642.1, NM_001379645.1); c.3302G>A, p.Arg1101His (NM_001379636.1, NM_001379639.1, NM_001379641.1 and 5 more transcripts); c.3377G>A, p.Arg1126His (NM_001379637.1, NM_001379648.1); c.3299G>A, p.Arg1100His (NM_001379640.1); short protein forms R1100H, R1101H, R1110H, R1126H, R1135H, R1185H, R1193H, R1202H.
Identifiers: ClinVar variation 1321588 (VCV001321588.7), dbSNP rs770764947, ClinGen allele CA2207733.